The following is an entry in ClinVar:

NM_004415.4(DSP):c.7162G>A (p.Val2388Ile)

Gene: DSP (desmoplakin; plus strand). Cytogenetic location: 6p24.3.
Variant type: single nucleotide variant.
Coding change: c.7162G>A on transcript NM_004415.4 (MANE Select); coding-DNA position 7162, G replaced by A.
Protein change: p.Val2388Ile; replaces valine 2388 with isoleucine.
Molecular consequence: missense variant.
Genome position (GRCh38, 1-based): chr6:7,584,424, G>A. VCF-style: chr6-7584424-G-A. GRCh37 (hg19) VCF-style: chr6-7584657-G-A.
Other names: c.5365G>A, p.Val1789Ile (NM_001008844.3); c.5833G>A, p.Val1945Ile (NM_001319034.2); short protein forms V1945I, V2388I, V1789I.
Identifiers: ClinVar variation 927970 (VCV000927970.13), dbSNP rs370490538, ClinGen allele CA049243.

ClinVar aggregate classification (germline): Uncertain significance. Review status: criteria provided, multiple submitters, no conflicts (2 of 4 stars). 3 submissions from 3 submitters: Uncertain significance (3). Last evaluated 2025-10-13.

Conditions:
Arrhythmogenic cardiomyopathy with wooly hair and keratoderma. Also called: PALMOPLANTAR KERATODERMA WITH LEFT VENTRICULAR CARDIOMYOPATHY AND WOOLLY HAIR; Carvajal syndrome; Dilated cardiomyopathy with woolly hair and keratoderma; Arrhythmogenic cardiomyopathy with woolly hair and keratoderma. Identifiers: Orphanet 65282, MedGen C1854063, MONDO:0011581, OMIM 605676.
Arrhythmogenic right ventricular dysplasia 8 (ARVD8). Also called: ARRHYTHMOGENIC RIGHT VENTRICULAR DYSPLASIA, FAMILIAL, 8; Arrhythmogenic Right Ventricular Dysplasia/Cardiomyopathy 8; ARRHYTHMOGENIC RIGHT VENTRICULAR CARDIOMYOPATHY 8. Identifiers: MedGen C1843896, MONDO:0011831, OMIM 607450.
Cardiomyopathy (CMYO). Also called: Cardiomyopathies. Identifiers: Orphanet 167848, MedGen C0878544, MONDO:0004994, HP:0001638. Inheritance: Various modes of inheritance.

Allele frequency attached by ClinVar (database versions not stated): gnomAD exomes below 0.00001; gnomAD 0.00001; TOPMed 0.00001; ExAC 0.00002; ESP Exome Variant Server 0.00008.
gnomAD v4.1: 9 of 1,614,064 alleles (0.00056%); highest among the groups gnomAD compares: Non-Finnish European, 0.00068%; no homozygotes.

Submissions (3):

Labcorp Genetics (formerly Invitae), Labcorp
Classification: Uncertain significance for Arrhythmogenic cardiomyopathy with wooly hair and keratoderma; Arrhythmogenic right ventricular dysplasia 8. Last evaluated: 2025-10-13. Review status: criteria provided, single submitter. Criteria: Invitae Variant Classification Sherloc (09022015). Collection method: clinical testing. Allele origin: germline.
Comment: This sequence change replaces valine, which is neutral and non-polar, with isoleucine, which is neutral and non-polar, at codon 2388 of the DSP protein (p.Val2388Ile). This variant is present in population databases (rs370490538, gnomAD 0.002%). This missense change has been observed in individual(s) with Brugada syndrome (PMID: 28087566). ClinVar contains an entry for this variant (Variation ID: 927970). An algorithm developed to predict the effect of missense changes on protein structure and function (PolyPhen-2) suggests that this variant is likely to be disruptive. In summary, the available evidence is currently insufficient to determine the role of this variant in disease. Therefore, it has been classified as a Variant of Uncertain Significance.

Color Diagnostics, LLC DBA Color Health
Classification: Uncertain significance for Cardiomyopathy. Last evaluated: 2025-07-10. Review status: criteria provided, single submitter. Criteria: ACMG Guidelines, 2015. Collection method: clinical testing. Allele origin: germline.
Comment: This missense variant replaces valine with isoleucine at codon 2388 of the DSP protein. Computational prediction suggests that this variant may not impact protein structure and function. To our knowledge, functional studies have not been reported for this variant. This variant has been reported in an individual suspected to be affected with Brugada syndrome (PMID: 28087566). This variant has been identified in 2/282826 chromosomes in the general population by the Genome Aggregation Database (gnomAD). The available evidence is insufficient to determine the role of this variant in disease conclusively. Therefore, this variant is classified as a Variant of Uncertain Significance.

All of Us Research Program, National Institutes of Health
Classification: Uncertain significance for Arrhythmogenic cardiomyopathy with wooly hair and keratoderma. Last evaluated: 2024-09-23. Review status: criteria provided, single submitter. Criteria: ACMG Guidelines, 2015. Collection method: clinical testing. Allele origin: germline. Inheritance: Autosomal dominant inheritance. Observed: 7 variant alleles, 7 heterozygotes.
Comment: This missense variant replaces valine with isoleucine at codon 2388 of the DSP protein. Computational prediction suggests that this variant may not impact protein structure and function (internally defined REVEL score threshold <= 0.5, PMID: 27666373). To our knowledge, functional studies have not been reported for this variant. This variant has been reported in an individual with suspected Brugada syndrome (PMID: 28087566). This variant has been identified in 2/282826 chromosomes in the general population by the Genome Aggregation Database (gnomAD). The available evidence is insufficient to determine the role of this variant in disease conclusively. Therefore, this variant is classified as a Variant of Uncertain Significance.

This study involves interpretation of variants in research participants for the purpose of population health screening. Participant phenotype was not available at the time of variant classification. Additional details can be found in publication PMID: 35346344, PMCID: PMC8962531

Literature cited by the submitters: PubMed 28087566 (cited by 3 submitters).